The following is an entry in ClinVar:

NM_002661.5(PLCG2):c.1060C>A (p.Arg354Ser)

Gene: PLCG2 (phospholipase C gamma 2; plus strand). Cytogenetic location: 16q23.3.
Variant type: single nucleotide variant.
Coding change: c.1060C>A on transcript NM_002661.5 (MANE Select); coding-DNA position 1060, C replaced by A.
Protein change: p.Arg354Ser; replaces arginine 354 with serine.
Molecular consequence: missense variant.
Genome position (GRCh38, 1-based): chr16:81,893,782, C>A. VCF-style: chr16-81893782-C-A. GRCh37 (hg19) VCF-style: chr16-81927387-C-A.
Other names: c.1060C>A, p.Arg354Ser (NM_001425749.1, NM_001425750.1, NM_001425751.1); short protein forms R354S.
Identifiers: ClinVar variation 2783647 (VCV002783647.3), dbSNP rs963539597, ClinGen allele CA396898753.

ClinVar aggregate classification (germline): Uncertain significance (1 of 4 stars; one submission).

Conditions:
Familial cold autoinflammatory syndrome 3 (FCAS3). Also called: FAMILIAL ATYPICAL COLD URTICARIA; ANTIBODY DEFICIENCY AND IMMUNE DYSREGULATION, PLCG2-ASSOCIATED. Identifiers: Orphanet 300359, MedGen C3280914, MONDO:0013766, OMIM 614468.

Submission:

Labcorp Genetics (formerly Invitae), Labcorp
Classification: Uncertain significance for Familial cold autoinflammatory syndrome 3. Last evaluated: 2023-03-13. Review status: criteria provided, single submitter. Criteria: Invitae Variant Classification Sherloc (09022015). Collection method: clinical testing. Allele origin: germline.
Comment: In summary, the available evidence is currently insufficient to determine the role of this variant in disease. Therefore, it has been classified as a Variant of Uncertain Significance. An algorithm developed to predict the effect of missense changes on protein structure and function (PolyPhen-2) suggests that this variant is likely to be disruptive. This variant has not been reported in the literature in individuals affected with PLCG2-related conditions. This variant is not present in population databases (gnomAD no frequency). This sequence change replaces arginine, which is basic and polar, with serine, which is neutral and polar, at codon 354 of the PLCG2 protein (p.Arg354Ser).